The following is an entry in ClinVar:

NM_032043.3(BRIP1):c.1935+5GTT[2]

Gene: BRIP1 (BRCA1 interacting DNA helicase 1; minus strand). Cytogenetic location: 17q23.2.
Variant type: Microsatellite.
Coding change: c.1935+5GTT[2] on transcript NM_032043.3 (MANE Select); two copies in a row of the 3-base unit GTT starting at c.1935+5; the reference has three copies in a row; one copy, 3 bases deleted.
Molecular consequence: intron variant.
Genome position (GRCh38, 1-based): chr17:61,780,248-61,780,250, AAC deleted on the plus strand (GTT on the coding strand, the reverse complement: BRIP1 is on the minus strand); deleting any 3 consecutive bases within chr17:61,780,248-61,780,256 gives the same sequence; the position shown is the placement nearest the transcript's 3' end. VCF-style (leftmost placement, unchanged base first): chr17-61780247-AAAC-A. GRCh37 (hg19) VCF-style: chr17-59857608-AAAC-A.
Other names: c.1935+11_1935+13delGTT (NM_032043.2, NM_032043.3).
Identifiers: ClinVar variation 182363 (VCV000182363.20), dbSNP rs730881641, ClinGen allele CA298915.

ClinVar aggregate classification (germline): Benign/Likely benign. Review status: criteria provided, multiple submitters, no conflicts (2 of 4 stars). 10 submissions from 9 submitters: Benign (3); Likely benign (5). 2 of the submissions do not count toward it. Last evaluated 2026-02-02.

Conditions:
Familial ovarian cancer. Identifiers: MedGen C5679802, MONDO:0016248.
Ovarian cancer. Also called: OVARIAN CANCER, SOMATIC. Identifiers: Orphanet 213500, MedGen C1140680, MONDO:0008170, OMIM 167000.
Hereditary cancer-predisposing syndrome. Also called: Tumor predisposition; Neoplastic Syndromes, Hereditary; Hereditary neoplastic syndrome; Hereditary Cancer Syndrome. Identifiers: Orphanet 140162, MedGen C0027672, MeSH D009386, MONDO:0015356.
Fanconi anemia complementation group J. Also called: BRIP1-Related Fanconi Anemia. Identifiers: Orphanet 84, MedGen C1836860, MONDO:0012187, OMIM 609054.
Familial cancer of breast. Also called: BREAST CANCER, FAMILIAL; hereditary breast carcinoma; Hereditary breast cancer. Identifiers: Orphanet 227535, MedGen C0346153, MONDO:0016419, OMIM 114480. Disease mechanism: loss of function.

Submissions (10):

Labcorp Genetics (formerly Invitae), Labcorp
Classification: Benign for Familial cancer of breast; Fanconi anemia complementation group J. Last evaluated: 2026-02-02. Review status: criteria provided, single submitter. Criteria: Invitae Variant Classification Sherloc (09022015). Collection method: clinical testing. Allele origin: germline.

Center for Genomic Medicine, Rigshospitalet, Copenhagen University Hospital
Classification: Likely benign. Last evaluated: 2025-03-04. Review status: criteria provided, single submitter. Criteria: ACMG Guidelines, 2015. Collection method: clinical testing. Allele origin: germline.

Molecular Diagnostics Laboratory, Catalan Institute of Oncology
Classification: Likely benign for Hereditary cancer-predisposing syndrome. Last evaluated: 2024-12-16. Review status: criteria provided, single submitter. Criteria: ACMG Guidelines, 2015. Collection method: clinical testing. Allele origin: germline.
Comment: BP4, BP7 BRIP1 c.1935+11_1935+13del is an intronic variant not very close to a canonical splice site, where the SpliceAI algorithm predicts no significant impact on splicing (BP4, BP7). The variant allele was found in 46/23454 alleles, with a filter allele frequency of 0.187% at 95% confidence, within the African population in the gnomAD v2.1.1 database (non-cancer data set). To our knowledge, neither relevant clinical data nor well-stablished functional studies have been reported for this variant. This variant has been reported in the ClinVar database (3x benign, 3x likely benign, 2x uncertain significance) but it has not been identified in LOVD database. Based on the currently available information, c.1935+11_1935+13del is classified as a likely benign variant according to ACMG guidelines.

Blueprint Genetics
Classification: Likely benign. Last evaluated: 2024-01-11. Review status: criteria provided, single submitter. Criteria: ACMG Guidelines, 2015. Collection method: clinical testing. Allele origin: germline.

Department of Pathology and Laboratory Medicine, Sinai Health System
Classification: Likely benign for familial ovarian cancer. Last evaluated: 2023-11-27. Review status: criteria provided, single submitter. Criteria: ACMG Guidelines, 2015. Collection method: clinical testing. Allele origin: germline. Affected: yes.

Sema4
Classification: Likely benign for Hereditary cancer-predisposing syndrome. Last evaluated: 2020-12-31. Review status: criteria provided, single submitter. Criteria: Sema4 Curation Guidelines. Collection method: curation. Allele origin: germline.

Color Diagnostics, LLC DBA Color Health
Classification: Benign for Hereditary cancer-predisposing syndrome. Last evaluated: 2016-04-19. Review status: criteria provided, single submitter. Criteria: ACMG Guidelines, 2015. Collection method: clinical testing. Allele origin: germline.

GeneDx
Classification: Benign for Neoplastic Syndromes, Hereditary. Last evaluated: 2014-07-01. Review status: criteria provided, single submitter. Criteria: GeneDx Variant Classification (06012015). Collection method: clinical testing. Allele origin: germline. Affected: yes.
Comment: The variant is found in HEREDICANCER panel(s).

Counsyl
Classification: Likely benign for Fanconi anemia complementation group J. Last evaluated: 2016-06-03. Review status: no assertion criteria provided. Collection method: clinical testing. Allele origin: unknown. Not counted in ClinVar's aggregate classification.

Counsyl
Classification: Likely benign for Ovarian cancer. Last evaluated: 2016-06-03. Review status: no assertion criteria provided. Collection method: clinical testing. Allele origin: unknown. Not counted in ClinVar's aggregate classification.